The following is an entry in ClinVar:

NM_001376.5(DYNC1H1):c.8178G>A (p.Arg2726=)

Gene: DYNC1H1 (dynein cytoplasmic 1 heavy chain 1; plus strand). Cytogenetic location: 14q32.31.
Variant type: single nucleotide variant.
Coding change: c.8178G>A on transcript NM_001376.5 (MANE Select); coding-DNA position 8178, G replaced by A.
Protein change: p.Arg2726=; no amino-acid change (arginine 2726 retained).
Molecular consequence: synonymous variant.
Genome position (GRCh38, 1-based): chr14:102,018,451, G>A. VCF-style: chr14-102018451-G-A. GRCh37 (hg19) VCF-style: chr14-102484788-G-A.
Identifiers: ClinVar variation 1515859 (VCV001515859.10), dbSNP rs777685040, ClinGen allele CA7352969.

ClinVar aggregate classification (germline): Conflicting classifications of pathogenicity. Review status: criteria provided, conflicting classifications (1 of 4 stars). 2 submissions from 2 submitters: Uncertain significance (1); Likely benign (1). Last evaluated 2025-08-18.

Conditions:
Inborn genetic diseases. Identifiers: MedGen C0950123, MeSH D030342.
Charcot-Marie-Tooth disease axonal type 2O. Also called: CHARCOT-MARIE-TOOTH NEUROPATHY, AXONAL, TYPE 2O; CHARCOT-MARIE-TOOTH DISEASE, AXONAL, AUTOSOMAL DOMINANT, TYPE 2O; Charcot-Marie-Tooth Neuropathy Type 2O; Charcot-Marie-Tooth disease, axonal, type 20. Identifiers: Orphanet 284232, MedGen C3280220, MONDO:0013644, OMIM 614228.

Allele frequency attached by ClinVar (database versions not stated): ExAC 0.00001; gnomAD 0.00001; TOPMed 0.00006.
gnomAD v4.1: 3 of 1,613,188 alleles (0.00019%); highest among the groups gnomAD compares: African/African-American, 0.0013%; no homozygotes.

Submissions (2):

Labcorp Genetics (formerly Invitae), Labcorp
Classification: Uncertain significance for Charcot-Marie-Tooth disease axonal type 2O. Last evaluated: 2025-08-18. Review status: criteria provided, single submitter. Criteria: Invitae Variant Classification Sherloc (09022015). Collection method: clinical testing. Allele origin: germline.
Comment: This sequence change affects codon 2726 of the DYNC1H1 mRNA. It is a 'silent' change, meaning that it does not change the encoded amino acid sequence of the DYNC1H1 protein. It affects a nucleotide within the consensus splice site. This variant is present in population databases (rs777685040, gnomAD 0.0009%). This variant has not been reported in the literature in individuals affected with DYNC1H1-related conditions. ClinVar contains an entry for this variant (Variation ID: 1515859). Algorithms developed to predict the effect of sequence changes on RNA splicing suggest that this variant is not likely to affect RNA splicing. In summary, the available evidence is currently insufficient to determine the role of this variant in disease. Therefore, it has been classified as a Variant of Uncertain Significance.

Ambry Genetics
Classification: Likely benign for Inborn genetic diseases. Last evaluated: 2017-06-30. Review status: criteria provided, single submitter. Criteria: Ambry Variant Classification Scheme 2023. Collection method: clinical testing. Allele origin: germline.